The following is an entry in ClinVar:

NM_000023.4(SGCA):c.157G>A (p.Ala53Thr)

Gene: SGCA (sarcoglycan alpha; plus strand). Cytogenetic location: 17q21.33.
Variant type: single nucleotide variant.
Coding change: c.157G>A on transcript NM_000023.4 (MANE Select); coding-DNA position 157, G replaced by A.
Protein change: p.Ala53Thr; replaces alanine 53 with threonine.
Molecular consequence: missense variant. On other transcripts: non-coding transcript variant (1).
Genome position (GRCh38, 1-based): chr17:50,167,487, G>A. VCF-style: chr17-50167487-G-A. GRCh37 (hg19) VCF-style: chr17-48244848-G-A.
Other names: c.157G>A, p.Ala53Thr (NM_001135697.3); c.157G>A (NM_000023.3); short protein forms A53T.
Identifiers: ClinVar variation 281859 (VCV000281859.24), dbSNP rs60407644, ClinGen allele CA8643703.

ClinVar aggregate classification (germline): Conflicting classifications of pathogenicity. Review status: criteria provided, conflicting classifications (1 of 4 stars). 9 submissions from 9 submitters: Pathogenic (6); Likely pathogenic (2); Uncertain significance (1). Last evaluated 2026-09-02.

Conditions:
Autosomal recessive limb-girdle muscular dystrophy. Identifiers: Orphanet 102015, MedGen C2931907, MONDO:0015152.
Autosomal recessive limb-girdle muscular dystrophy type 2D (LGMDR3). Also called: ADHALINOPATHY, PRIMARY; DUCHENNE-LIKE AUTOSOMAL RECESSIVE MUSCULAR DYSTROPHY, TYPE 2; MUSCULAR DYSTROPHY, LIMB-GIRDLE, AUTOSOMAL RECESSIVE 3. Identifiers: Orphanet 62, MedGen C2936332, MONDO:0011968, OMIM 608099. Disease mechanism: Affects gamma-sarcoglycan and also disrupts the integrity of the entire sarcoglycan complex..

Allele frequency attached by ClinVar (database versions not stated): gnomAD exomes 0.00001; TOPMed below 0.00001; ExAC 0.00001.
gnomAD v4.1: 11 of 1,614,166 alleles (0.00068%); highest among the groups gnomAD compares: East Asian, 0.0022%; no homozygotes.

Submissions (9):

GeneDx
Classification: Pathogenic. Last evaluated: 2026-09-02. Review status: criteria provided, single submitter. Criteria: GeneDx Variant Classification Process June 2021. Collection method: clinical testing. Allele origin: germline.
Comment: RNA studies demonstrate a damaging effect: near complete in-frame skipping of exon(s) 2 or 2 and 3, resulting in loss of a functional domain (PMID: 33848270); Not observed at significant frequency in large population cohorts (gnomAD); In silico analysis supports a deleterious effect on splicing; This variant is associated with the following publications: (PMID: 11693784, 25525159, 34602496, 16616845, 18285821, 19781108, 35356683, 33848270, 39678382)

Clinical Genetics Laboratory, Skane University Hospital Lund
Classification: Pathogenic for Autosomal recessive limb-girdle muscular dystrophy type 2D. Last evaluated: 2026-05-29. Review status: criteria provided, single submitter. Criteria: ACMG Guidelines, 2015. Collection method: clinical testing. Allele origin: germline. Affected: yes.
Comment: Classified according to ClinGen Limb Girdle Muscular Dystrophy Expert Panel Specifications to the ACMG/AMP Variant Interpretation Guidelines for SGCA Version 2.0.0): PVS1_Strong, PM2_Supporting and PM3_Strong.

Labcorp Genetics (formerly Invitae), Labcorp
Classification: Pathogenic for Autosomal recessive limb-girdle muscular dystrophy type 2D. Last evaluated: 2025-11-02. Review status: criteria provided, single submitter. Criteria: Invitae Variant Classification Sherloc (09022015). Collection method: clinical testing. Allele origin: germline.
Comment: This sequence change replaces alanine, which is neutral and non-polar, with threonine, which is neutral and polar, at codon 53 of the SGCA protein (p.Ala53Thr). This variant also falls at the last nucleotide of exon 2, which is part of the consensus splice site for this exon. This variant is present in population databases (rs60407644, gnomAD 0.006%). This missense change has been observed in individual(s) with limb girdle muscular dystrophy (LGMD) (PMID: 11693784, 16616845, 18285821; internal data). In at least one individual the data is consistent with being in trans (on the opposite chromosome) from a pathogenic variant. It has also been observed to segregate with disease in related individuals. ClinVar contains an entry for this variant (Variation ID: 281859). An algorithm developed to predict the effect of missense changes on protein structure and function (PolyPhen-2) suggests that this variant is likely to be tolerated. Variants that disrupt the consensus splice site are a relatively common cause of aberrant splicing (PMID: 17576681, 9536098). Algorithms developed to predict the effect of sequence changes on RNA splicing suggest that this variant may disrupt the consensus splice site. For these reasons, this variant has been classified as Pathogenic.

Natera, Inc.
Classification: Pathogenic for Limb-girdle muscular dystrophy type 2D. Last evaluated: 2025-04-29. Review status: criteria provided, single submitter. Criteria: Natera Variant Classification Schema (03/2026). Collection method: clinical testing. Allele origin: germline.
Comment: The c.157G>A variant in SGCA is a missense variant predicted to cause substitution of alanine to threonine at amino acid 53. This variant is rare in the general population with a frequency below the threshold expected for the associated phenotype(s). This variant has been observed in one or more individuals affected with the associated recessive disease, as either homozygous or compound heterozygous with a second variant (PMID: 33848270, 34602496). Given the available evidence, this variant is classified as Pathogenic.

Fulgent Genetics
Classification: Pathogenic for Autosomal recessive limb-girdle muscular dystrophy type 2D. Last evaluated: 2024-05-22. Review status: criteria provided, single submitter. Criteria: ACMG Guidelines, 2015. Collection method: clinical testing. Allele origin: germline.

Women's Health and Genetics/Laboratory Corporation of America, LabCorp
Classification: Pathogenic for Autosomal recessive limb-girdle muscular dystrophy. Last evaluated: 2024-05-17. Review status: criteria provided, single submitter. Criteria: LabCorp Variant Classification Summary - May 2015. Collection method: clinical testing. Allele origin: germline.
Comment: Variant summary: SGCA c.157G>A (p.Ala53Thr) results in a non-conservative amino acid change in the encoded protein sequence. Three of five in-silico tools predict a damaging effect of the variant on protein function. Several computational tools predict a significant impact on normal splicing: Two predict the variant abolishes a 5' splicing donor site whereas two predict the variant significantly weakens a 5' donor site. At least one publication reports experimental evidence that this variant results in skipping of exon 2 and 3 in RT-PCR analysis of SGCA mRNA in muscle tissue from a c.157G>A carrier (Escobar_2021). The variant allele was found at a frequency of 8e-06 in 251404 control chromosomes. c.157G>A has been reported in the literature as homozygous or in compound heterozygous state with a pathogenic variant in multiple individuals affected with Autosomal Recessive Limb-Girdle Muscular Dystrophy (Fendri_2006, Trabelsi_2008, Megarbane_2021). These data indicate that the variant is very likely to be associated with disease. The following publications have been ascertained in the context of this evaluation (PMID: 33848270, 16616845, 34602496, 18285821). ClinVar contains an entry for this variant (Variation ID: 281859). Based on the evidence outlined above, the variant was classified as pathogenic.

Revvity Omics, Revvity
Classification: Likely pathogenic for Autosomal recessive limb-girdle muscular dystrophy type 2D. Last evaluated: 2024-03-12. Review status: criteria provided, single submitter. Criteria: ACMG Guidelines, 2015. Collection method: clinical testing. Allele origin: germline.

Baylor Genetics
Classification: Likely pathogenic for Autosomal recessive limb-girdle muscular dystrophy type 2D. Last evaluated: 2023-09-06. Review status: criteria provided, single submitter. Criteria: ACMG Guidelines, 2015. Collection method: clinical testing. Allele origin: unknown.

Eurofins Ntd Llc (ga)
Classification: Uncertain significance. Last evaluated: 2015-07-30. Review status: criteria provided, single submitter. Criteria: EGL Classification Definitions 2015. Collection method: clinical testing. Allele origin: germline. Observed: 1 variant allele, 1 homozygote.

Literature cited by the submitters: PubMed 11693784 (cited by Labcorp Genetics (formerly Invitae), Labcorp); PubMed 16616845 (cited by Labcorp Genetics (formerly Invitae), Labcorp and Women's Health and Genetics/Laboratory Corporation of America, LabCorp); PubMed 18285821 (cited by Labcorp Genetics (formerly Invitae), Labcorp and Women's Health and Genetics/Laboratory Corporation of America, LabCorp); PubMed 17576681 (cited by Labcorp Genetics (formerly Invitae), Labcorp); PubMed 9536098 (cited by Labcorp Genetics (formerly Invitae), Labcorp); PubMed 33848270 (cited by Natera, Inc. and Women's Health and Genetics/Laboratory Corporation of America, LabCorp); PubMed 34602496 (cited by Natera, Inc. and Women's Health and Genetics/Laboratory Corporation of America, LabCorp).